The following is an entry in ClinVar:

NM_000088.4(COL1A1):c.2501C>T (p.Ala834Val)

Gene: COL1A1 (collagen type I alpha 1 chain; minus strand). Cytogenetic location: 17q21.33.
Variant type: single nucleotide variant.
Coding change: c.2501C>T on transcript NM_000088.4 (MANE Select); coding-DNA position 2501, C replaced by T.
Protein change: p.Ala834Val; replaces alanine 834 with valine.
Molecular consequence: missense variant.
Genome position (GRCh38, 1-based): chr17:50,190,059, G>A on the plus strand (C>T on the coding strand, the complement: COL1A1 is on the minus strand). VCF-style: chr17-50190059-G-A. GRCh37 (hg19) VCF-style: chr17-48267420-G-A.
Other names: short protein forms A834V.
Identifiers: ClinVar variation 2753120 (VCV002753120.3), dbSNP rs2509188749, ClinGen allele CA400207735.

ClinVar aggregate classification (germline): Uncertain significance (1 of 4 stars; one submission).

Conditions:
Osteogenesis imperfecta type I (OI1). Also called: OI, TYPE I; OSTEOGENESIS IMPERFECTA TARDA; OSTEOGENESIS IMPERFECTA WITH BLUE SCLERAE; Osteogenesis imperfecta type 1; Lobstein's Disease; Classic Non-deforming Osteogenesis Imperfecta with Blue Sclerae. Identifiers: Orphanet 216796, Orphanet 666, MedGen C0023931, MONDO:0008146, OMIM 166200. Disease mechanism: loss of function.

Submission:

Labcorp Genetics (formerly Invitae), Labcorp
Classification: Uncertain significance for Osteogenesis imperfecta type I. Last evaluated: 2023-08-16. Review status: criteria provided, single submitter. Criteria: Invitae Variant Classification Sherloc (09022015). Collection method: clinical testing. Allele origin: germline.
Comment: This sequence change replaces alanine, which is neutral and non-polar, with valine, which is neutral and non-polar, at codon 834 of the COL1A1 protein (p.Ala834Val). This variant is not present in population databases (gnomAD no frequency). This variant has not been reported in the literature in individuals affected with COL1A1-related conditions. Advanced modeling of protein sequence and biophysical properties (such as structural, functional, and spatial information, amino acid conservation, physicochemical variation, residue mobility, and thermodynamic stability) performed at Invitae indicates that this missense variant is not expected to disrupt COL1A1 protein function. In summary, the available evidence is currently insufficient to determine the role of this variant in disease. Therefore, it has been classified as a Variant of Uncertain Significance.